The following is an entry in ClinVar:

NM_003399.6(XPNPEP2):c.404-8T>C

Gene: XPNPEP2 (X-prolyl aminopeptidase 2; plus strand). Cytogenetic location: Xq26.1.
Variant type: single nucleotide variant.
Coding change: c.404-8T>C on transcript NM_003399.6 (MANE Select); 8 bases into the intron before coding-DNA position 404, T replaced by C.
Molecular consequence: intron variant.
Genome position (GRCh38, 1-based): chrX:129,746,587, T>C. VCF-style: chrX-129746587-T-C. GRCh37 (hg19) VCF-style: chrX-128880563-T-C.
Identifiers: ClinVar variation 2661395 (VCV002661395.25), dbSNP rs1481447777, ClinGen allele CA644159209.

ClinVar aggregate classification (germline): Likely benign. Review status: criteria provided, multiple submitters, no conflicts (2 of 4 stars). 2 submissions from 2 submitters: Likely benign (2). Last evaluated 2025-09-01.

Allele frequency attached by ClinVar (database versions not stated): TOPMed below 0.00001; gnomAD exomes 0.00001.
gnomAD v4.1: 8 of 1,207,002 alleles (0.00066%); highest among the groups gnomAD compares: Middle Eastern, 0.024%; no homozygotes.

Submissions (2):

CeGaT Center for Human Genetics Tuebingen
Classification: Likely benign. Last evaluated: 2025-09-01. Review status: criteria provided, single submitter. Criteria: CeGaT Center For Human Genetics Tuebingen Variant Classification Criteria Version 2. Collection method: clinical testing. Allele origin: germline. Affected: yes. Observed: 3 variant alleles.
Comment: XPNPEP2: BP4

Blueprint Genetics
Classification: Likely benign. Last evaluated: 2024-10-14. Review status: criteria provided, single submitter. Criteria: ACMG Guidelines, 2015. Collection method: clinical testing. Allele origin: germline.